The following is an entry in ClinVar:

ClinVar aggregate classification (germline): Uncertain significance (1 of 4 stars; one submission).

Conditions:
Charcot-Marie-Tooth disease dominant intermediate F. Identifiers: Orphanet 352670, MedGen C4749463, MONDO:0014074, OMIM 615185.

Allele frequency attached by ClinVar (database versions not stated): ExAC 0.00001; gnomAD exomes 0.00001; TOPMed 0.00002; gnomAD 0.00002; ESP Exome Variant Server 0.00008.
gnomAD v4.1: 6 of 1,611,858 alleles (0.00037%); highest among the groups gnomAD compares: East Asian, 0.0022%; no homozygotes.

Submission:

Labcorp Genetics (formerly Invitae), Labcorp
Classification: Uncertain significance for Charcot-Marie-Tooth disease dominant intermediate F. Last evaluated: 2023-11-17. Review status: criteria provided, single submitter. Criteria: Invitae Variant Classification Sherloc (09022015). Collection method: clinical testing. Allele origin: germline.
Comment: This sequence change replaces isoleucine, which is neutral and non-polar, with threonine, which is neutral and polar, at codon 123 of the GNB4 protein (p.Ile123Thr). This variant is present in population databases (rs146618295, gnomAD 0.005%). This variant has not been reported in the literature in individuals affected with GNB4-related conditions. ClinVar contains an entry for this variant (Variation ID: 2039367). Advanced modeling of protein sequence and biophysical properties (such as structural, functional, and spatial information, amino acid conservation, physicochemical variation, residue mobility, and thermodynamic stability) performed at Invitae indicates that this missense variant is expected to disrupt GNB4 protein function with a positive predictive value of 80%. In summary, the available evidence is currently insufficient to determine the role of this variant in disease. Therefore, it has been classified as a Variant of Uncertain Significance.

NM_021629.4(GNB4):c.368T>C (p.Ile123Thr)

Gene: GNB4 (G protein subunit beta 4; minus strand). Cytogenetic location: 3q26.33.
Variant type: single nucleotide variant.
Coding change: c.368T>C on transcript NM_021629.4 (MANE Select); coding-DNA position 368, T replaced by C.
Protein change: p.Ile123Thr; replaces isoleucine 123 with threonine.
Molecular consequence: missense variant.
Genome position (GRCh38, 1-based): chr3:179,414,947, A>G on the plus strand (T>C on the coding strand, the complement: GNB4 is on the minus strand). VCF-style: chr3-179414947-A-G. GRCh37 (hg19) VCF-style: chr3-179132735-A-G.
Other names: short protein forms I123T.
Identifiers: ClinVar variation 2039367 (VCV002039367.4), dbSNP rs146618295, ClinGen allele CA2712508.